The following is an entry in ClinVar:

ClinVar aggregate classification (germline): Likely benign (1 of 4 stars; one submission).

Submission:

CeGaT Center for Human Genetics Tuebingen
Classification: Likely benign. Last evaluated: 2025-02-01. Review status: criteria provided, single submitter. Criteria: CeGaT Center For Human Genetics Tuebingen Variant Classification Criteria Version 2. Collection method: clinical testing. Allele origin: germline. Affected: yes. Observed: 1 variant allele.
Comment: RP11-467N20.5: BP4, BP7

NM_001396956.1(GOLGA6L22):c.1641T>C (p.His547=)

Gene: GOLGA6L22 (golgin A6 family like 22; plus strand). Cytogenetic location: 15q11.2.
Variant type: single nucleotide variant.
Coding change: c.1641T>C on transcript NM_001396956.1 (MANE Select); coding-DNA position 1641, T replaced by C.
Protein change: p.His547=; no amino-acid change (histidine 547 retained).
Molecular consequence: synonymous variant.
Genome position (GRCh38, 1-based): chr15:22,465,901, T>C. VCF-style: chr15-22465901-T-C. GRCh37 (hg19) VCF-style: chr15-23407195-A-G.
Other names: c.1638T>C, p.His546= (NM_001396957.1).
Identifiers: ClinVar variation 3770742 (VCV003770742.13).